The following is an entry in ClinVar:

ClinVar aggregate classification (germline): Likely pathogenic (1 of 4 stars; one submission).

Conditions:
Neuronopathy, distal hereditary motor, type 2B. Also called: NEURONOPATHY, DISTAL HEREDITARY MOTOR, AUTOSOMAL DOMINANT 3; NEURONOPATHY, DISTAL HEREDITARY MOTOR, HARDING TYPE IIB; NEUROPATHY, DISTAL HEREDITARY MOTOR, HARDING TYPE IIB; HMN IIB. Identifiers: Orphanet 139525, MedGen C2608087, MONDO:0012080, OMIM 608634.
Charcot-Marie-Tooth disease axonal type 2F (CMT2F). Also called: CHARCOT-MARIE-TOOTH DISEASE, NEURONAL, TYPE 2F; Charcot-Marie-Tooth Neuropathy Type 2F. Identifiers: Orphanet 99940, MedGen C1847823, MONDO:0011687, OMIM 606595.

Submission:

Kariminejad - Najmabadi Pathology & Genetics Center
Classification: Likely pathogenic for Neuronopathy, distal hereditary motor, type 2B; Charcot-Marie-Tooth disease axonal type 2F. Last evaluated: 2024-08-05. Review status: criteria provided, single submitter. Criteria: ACMG Guidelines, 2015. Collection method: clinical testing. Allele origin: germline. Inheritance: Autosomal dominant inheritance. Affected: yes.
Comment: PVS1 PM2

NM_001540.5(HSPB1):c.109dup (p.Arg37fs)

Gene: HSPB1 (heat shock protein family B (small) member 1; plus strand). Cytogenetic location: 7q11.23.
Variant type: Duplication.
Coding change: c.109dup on transcript NM_001540.5 (MANE Select); coding-DNA position 109, one base duplicated (C; older notation c.109dupC).
Protein change: p.Arg37fs; shifts the reading frame from arginine 37.
Molecular consequence: frameshift variant.
Genome position (GRCh38, 1-based): chr7:76,302,821, C duplicated; the last of 4 consecutive C bases (chr7:76,302,818-76,302,821); duplicating any one gives the same sequence. VCF-style (leftmost placement, unchanged base first): chr7-76302817-G-GC. GRCh37 (hg19) VCF-style: chr7-75932134-G-GC.
Other names: short protein forms R37fs.
Identifiers: ClinVar variation 3896881 (VCV003896881.1).